The following is an entry in ClinVar:

ClinVar aggregate classification (germline): Pathogenic (1 of 4 stars; one submission).

Conditions:
Neurofibromatosis, type 1 (NF1). Also called: VON RECKLINGHAUSEN DISEASE; Peripheral type neurofibromatosis; NEUROFIBROMATOSIS, TYPE I, SOMATIC; Neurofibromatosis, type I. Identifiers: Orphanet 636, MedGen C0027831, MONDO:0018975, OMIM 162200. Disease mechanism: loss of function.

Submission:

Labcorp Genetics (formerly Invitae), Labcorp
Classification: Pathogenic for Neurofibromatosis, type 1. Last evaluated: 2020-10-13. Review status: criteria provided, single submitter. Criteria: Invitae Variant Classification Sherloc (09022015). Collection method: clinical testing. Allele origin: germline.
Comment: Loss-of-function variants in NF1 are known to be pathogenic (PMID: 10712197, 23913538). This variant has not been reported in the literature in individuals with NF1-related conditions. This variant is not present in population databases (ExAC no frequency). This sequence change creates a premature translational stop signal (p.Thr1245*) in the NF1 gene. It is expected to result in an absent or disrupted protein product. For these reasons, this variant has been classified as Pathogenic.

Literature cited by the submitters: PubMed 10712197; PubMed 23913538.

NM_001042492.3(NF1):c.3733_3740del (p.Val1244_Thr1245insTer)

Gene: NF1 (neurofibromin 1; plus strand). Cytogenetic location: 17q11.2.
Variant type: Deletion.
Coding change: c.3733_3740del on transcript NM_001042492.3 (MANE Select); coding-DNA positions 3733 to 3740, 8 bases deleted (ACTCTGTT; older notation c.3733_3740delACTCTGTT).
Protein change: p.Val1244_Thr1245insTer.
Molecular consequence: nonsense. On other transcripts: frameshift variant (1).
Genome position (GRCh38, 1-based): chr17:31,235,635-31,235,642, ACTCTGTT deleted; deleting any 8 consecutive bases within chr17:31,235,632-31,235,642 gives the same sequence; the c. name uses the placement nearest the transcript's 3' end. VCF-style (leftmost placement, unchanged base first): chr17-31235631-GGTTACTCT-G. GRCh37 (hg19) VCF-style: chr17-29562649-GGTTACTCT-G.
Other names: c.3733_3740delACTCTGTT, p.Thr1245Terfs (NM_000267.4).
Identifiers: ClinVar variation 1075889 (VCV001075889.5), dbSNP rs2151437747, ClinGen allele CA2499224111.
Genomic context (GRCh38, chr17:31,235,631, plus strand): 5'-TGGGATTGTTTGCACTAACCTGATTTTGTTTTGTTCTCAGGATGAACTAGCTCGAGTTCT[GGTTACTCT>G]GTTTGATTCTCGGCATTTACTCTACCAACTGCTCTGGAACATGTTTTCTAAAGAAGTAGA-3'